The following is an entry in ClinVar:

ClinVar aggregate classification (germline): Uncertain significance (1 of 4 stars; one submission).

Conditions:
Hereditary cancer-predisposing syndrome. Also called: Neoplastic Syndromes, Hereditary; Tumor predisposition; Hereditary Cancer Syndrome; Hereditary neoplastic syndrome. Identifiers: Orphanet 140162, MedGen C0027672, MeSH D009386, MONDO:0015356.

Submission:

Ambry Genetics
Classification: Uncertain significance for Hereditary cancer-predisposing syndrome. Last evaluated: 2021-07-19. Review status: criteria provided, single submitter. Criteria: Ambry Variant Classification Scheme 2023. Collection method: clinical testing. Allele origin: germline.
Comment: The p.S645C variant (also known as c.1934C>G), located in coding exon 11 of the RET gene, results from a C to G substitution at nucleotide position 1934. The serine at codon 645 is replaced by cysteine, an amino acid with dissimilar properties. This amino acid position is highly conserved in available vertebrate species. In addition, this alteration is predicted to be deleterious by in silico analysis. Since supporting evidence is limited at this time, the clinical significance of this alteration remains unclear.

NM_020975.6(RET):c.1934C>G (p.Ser645Cys)

Gene: RET (ret proto-oncogene; plus strand). Cytogenetic location: 10q11.21.
Variant type: single nucleotide variant.
Coding change: c.1934C>G on transcript NM_020975.6 (MANE Select); coding-DNA position 1934, C replaced by G.
Protein change: p.Ser645Cys; replaces serine 645 with cysteine.
Molecular consequence: missense variant.
Genome position (GRCh38, 1-based): chr10:43,114,534, C>G. VCF-style: chr10-43114534-C-G. GRCh37 (hg19) VCF-style: chr10-43609982-C-G.
Other names: c.1934C>G, p.Ser645Cys (NM_000323.2, NM_001406743.1, NM_001406744.1 and 4 more transcripts); c.1172C>G, p.Ser391Cys (NM_001355216.2); c.1805C>G, p.Ser602Cys (NM_001406761.1, NM_001406762.1, NM_001406764.1); c.1646C>G, p.Ser549Cys (NM_001406766.1, NM_001406767.1, NM_001406770.1); c.1538C>G, p.Ser513Cys (NM_001406769.1, NM_001406772.1); c.1496C>G, p.Ser499Cys (NM_001406771.1, NM_001406773.1); c.1409C>G, p.Ser470Cys (NM_001406774.1); c.1208C>G, p.Ser403Cys (NM_001406775.1, NM_001406776.1, NM_001406777.1 and 1 more transcripts); and 7 more; short protein forms S250C, S315C, S470C, S645C, S162C, S303C, S210C, S391C.
Identifiers: ClinVar variation 1782930 (VCV001782930.2), dbSNP rs2132846429, ClinGen allele CA376552969.